The following is an entry in ClinVar:

ClinVar aggregate classification (germline): Benign (1 of 4 stars; one submission).

Allele frequency attached by ClinVar (database versions not stated): gnomAD 0.05115; 1000 Genomes Project 0.05828; TOPMed 0.05868; 1000 Genomes Project 30x 0.06035.
gnomAD v4.1: 5,996 of 111,864 alleles (5.4%); highest among the groups gnomAD compares: African/African-American, 18%; 371 homozygotes.

Submission:

GeneDx
Classification: Benign. Last evaluated: 2018-06-18. Review status: criteria provided, single submitter. Criteria: GeneDx Variant Classification (06012015). Collection method: clinical testing. Allele origin: germline. Affected: yes.
Comment: This variant is considered likely benign or benign based on one or more of the following criteria: it is a conservative change, it occurs at a poorly conserved position in the protein, it is predicted to be benign by multiple in silico algorithms, and/or has population frequency not consistent with disease.

NM_004006.3(DMD):c.9224+264T>A

Gene: DMD (dystrophin; minus strand). Cytogenetic location: Xp21.2.
Variant type: single nucleotide variant.
Coding change: c.9224+264T>A on transcript NM_004006.3 (MANE Select); 264 bases into the intron after coding-DNA position 9224, T replaced by A.
Molecular consequence: intron variant.
Genome position (GRCh38, 1-based): chrX:31,323,334, A>T on the plus strand (T>A on the coding strand, the complement: DMD is on the minus strand). VCF-style: chrX-31323334-A-T. GRCh37 (hg19) VCF-style: chrX-31341451-A-T.
Other names: c.9200+264T>A (NM_000109.4); c.5201+264T>A (NM_004011.4); c.5192+264T>A (NM_004012.4); c.1844+264T>A (NM_004023.3, NM_004020.4, NM_004022.3 and 2 more transcripts); c.1037+264T>A (NM_004014.3); c.9212+264T>A (NM_004009.3); c.8855+264T>A (NM_004010.3).
Identifiers: ClinVar variation 671724 (VCV000671724.1), dbSNP rs7053818, ClinGen allele CA328418633.